The following is an entry in ClinVar:

NM_000077.5(CDKN2A):c.167G>T (p.Ser56Ile)

Gene: CDKN2A (cyclin dependent kinase inhibitor 2A; minus strand). Cytogenetic location: 9p21.3.
Variant type: single nucleotide variant.
Coding change: c.167G>T on transcript NM_000077.5; coding-DNA position 167, G replaced by T.
Protein change: p.Ser56Ile; replaces serine 56 with isoleucine.
Molecular consequence: missense variant (on NM_000077.6). On other transcripts: 3 prime UTR variant (1).
Genome position (GRCh38, 1-based): chr9:21,971,192, C>A on the plus strand (G>T on the coding strand, the complement: CDKN2A is on the minus strand). VCF-style: chr9-21971192-C-A. GRCh37 (hg19) VCF-style: chr9-21971191-C-A.
Other names: c.167G>T, p.Ser56Ile (NM_000077.6, NM_001195132.2); c.14G>T, p.Ser5Ile (NM_001363763.2); c.210G>T, p.Gln70His (NM_058195.4); c.*90G>T (NM_058197.5); short protein forms S56I, Q70H, S5I.
Identifiers: ClinVar variation 9425 (VCV000009425.18), dbSNP rs104894109, ClinGen allele CA120412.

ClinVar aggregate classification (germline): Pathogenic/Likely pathogenic. Review status: criteria provided, multiple submitters, no conflicts (2 of 4 stars). 7 submissions from 7 submitters: Pathogenic (5); Likely pathogenic (1). 1 of the submissions does not count toward it. Last evaluated 2026-01-15.

Conditions:
Familial melanoma. Also called: Hereditary melanoma; Hereditary cutaneous melanoma. Identifiers: Orphanet 618, MedGen C1512419, MONDO:0018961.
Hereditary cancer-predisposing syndrome. Also called: Hereditary neoplastic syndrome; Tumor predisposition; Neoplastic Syndromes, Hereditary; Hereditary Cancer Syndrome. Identifiers: Orphanet 140162, MedGen C0027672, MeSH D009386, MONDO:0015356.
Melanoma, cutaneous malignant, susceptibility to, 2 (CMM2). Also called: CDKN2A-Related Cutaneous Malignant Melanoma; Cutaneous malignant melanoma 2. Identifiers: Orphanet 618, MedGen C1835044, MONDO:0007964, OMIM 155601.
Melanoma-pancreatic cancer syndrome. Identifiers: Orphanet 404560, MedGen C1838547, MONDO:0011713, OMIM 606719. Disease mechanism: loss of function.

Allele frequency attached by ClinVar (database versions not stated): gnomAD exomes below 0.00001.
gnomAD v4.1: 2 of 1,597,782 alleles (0.00013%); highest among the groups gnomAD compares: Non-Finnish European, 0.00017%; no homozygotes.

Submissions (7):

Variantyx, Inc.
Classification: Pathogenic for Melanoma, cutaneous malignant, susceptibility to, 2. Last evaluated: 2026-01-15. Review status: criteria provided, single submitter. Criteria: Variantyx Assertion Criteria 2022. Collection method: clinical testing. Allele origin: germline. Inheritance: Autosomal recessive inheritance. Affected: yes.
Comment: This is a nonsynonymous variant in the CDKN2A gene (OMIM: 600160). Pathogenic variants in this gene have been associated with autosomal dominant CDKN2A-related disorders. This variant has been reported in many unrelated affected individuals (PMID: 9516223, 20340136, 9425228, 12072543, 15150307) (PS4_Very_Strong). This variant lies within a known hotspot for pathogenic variants or a well-established critical functional domain of the CDKN2A protein (PM1). Functional studies have shown that this variant alters CDKN2A protein function (PMID: 9516223, 20340136, 21462282) (PS3), but computational algorithms produce conflicting evidence regarding the predicted functional impact of this variant (REVEL score: 0.483). This variant has a 0.0002% maximum allele frequency in non-founder control populations (PM2). Based on the current evidence, this variant is classified as pathogenic for autosomal dominant CDKN2A-related disorders.

GeneDx
Classification: Pathogenic. Last evaluated: 2024-11-20. Review status: criteria provided, single submitter. Criteria: GeneDx Variant Classification Process June 2021. Collection method: clinical testing. Allele origin: germline. Affected: yes.
Comment: In silico analysis supports that this missense variant has a deleterious effect on protein structure/function; Not observed at significant frequency in large population cohorts (gnomAD); This variant is associated with the following publications: (PMID: 25370744, 26775776, 20340136, 21462282, 9516223, 16214921, 12072543, 15235029, 16234564, 17992122, 22841127, 16354195, 15150307, MenonS2022[article], 35798629, 38833603, 33322357, 33766116, 37611275, 34573422, 38009209, 9425228, 17492760, 28146043)

Labcorp Genetics (formerly Invitae), Labcorp
Classification: Pathogenic for Familial melanoma. Last evaluated: 2024-06-04. Review status: criteria provided, single submitter. Criteria: Invitae Variant Classification Sherloc (09022015). Collection method: clinical testing. Allele origin: germline.
Comment: The CDKN2A gene encodes two different proteins, p16INK4a and p14ARF, which are translated from alternative transcripts with different open reading frames. Both transcripts have been analyzed. We report either the variant with the higher classification or default to the CDKN2A (p16INK4a) variant. This report therefore includes the details for the CDKN2A (p16INK4a) variant. This sequence change replaces serine, which is neutral and polar, with isoleucine, which is neutral and non-polar, at codon 56 of the CDKN2A (p16INK4a) protein (p.Ser56Ile). This variant is not present in population databases (gnomAD no frequency). This missense change has been observed in individual(s) with cutaneous malignant melanoma and/or primary melanoma (PMID: 9425228, 9516223, 12072543, 15150307, 15235029, 17492760, 21462282, 22841127). It has also been observed to segregate with disease in related individuals. This variant is also known as c.210G>T (p.Gln70His) in the CDKN2A (p14ARF) transcript. ClinVar contains an entry for this variant (Variation ID: 9425). An algorithm developed to predict the effect of missense changes on protein structure and function (PolyPhen-2) suggests that this variant is likely to be disruptive. Experimental studies have shown that this missense change affects CDKN2A (p16INK4a) function (PMID: 9516223, 20340136, 21462282, 25370744). For these reasons, this variant has been classified as Pathogenic. While the evidence indicates that this variant confers risk of developing CDKN2A (p16INK4a)-associated conditions, its association with risk for developing CDKN2A (p14ARF)-associated conditions is still unclear.

Ambry Genetics
Classification: Pathogenic for Hereditary cancer-predisposing syndrome. Last evaluated: 2024-01-29. Review status: criteria provided, single submitter. Criteria: Ambry Variant Classification Scheme 2023. Collection method: clinical testing. Allele origin: germline.
Comment: The p.S56I pathogenic mutation (also known as c.167G>T), located in coding exon 2 of the CDKN2A gene, results from a G to T substitution at nucleotide position 167. The serine at codon 56 is replaced by isoleucine, an amino acid with dissimilar properties. The p.S56I alteration has been reported in numerous individuals with personal and/or family histories consistent with multiple primary melanoma (Begg CB et al. J. Natl. Cancer Inst., 2005 Oct;97:1507-15; Bishop DT et al. J. Natl. Cancer Inst., 2002 Jun;94:894-903; Chaudru V et al. Cancer Epidemiol. Biomarkers Prev., 2005 Oct;14:2384-90; Kannengiesser C et al. Genes Chromosomes Cancer, 2007 Aug;46:751-60; Landi MT et al. J. Med. Genet., 2004 Jul;41:557-66; Soufir N et al. Hum. Mol. Genet., 1998 Feb;7:209-16; Pellegrini C et al. Melanoma Res., 2017 06;27:258-267). This alteration has also been reported as a suggested founder mutation in individuals of French and Italian background as many patients who carry the p.S56I alteration share a unique haplotype (Kannengiesser C et al. Genes Chromosomes Cancer, 2007 Aug;46:751-60). One functional analysis of this alteration indicated retained ability to bind CDK6 at least as well as the wild-type protein but showed diminished affinity for CDK4 (McKenzie HA et al. Hum. Mutat., 2010 Jun;31:692-701). An additional functional analysis using a cell cycle arrest assay indicated p.S56I results in in vitro function loss (Miller PJ et al. Hum. Mutat., 2011 Aug;32:900-11). Further, this alteration has been shown to bind CDK4 very poorly compared to the wild-type in a yeast based two-hybrid assay (Monzon J et al. N. Engl. J. Med., 1998 Mar;338:879-87). In addition, the in silico prediction for this alteration is inconclusive. Based on the supporting evidence, this alteration is interpreted as a disease-causing mutation.

Department of Pathology and Laboratory Medicine, Sinai Health System
Classification: Pathogenic for Melanoma-pancreatic cancer syndrome. Last evaluated: 2023-12-11. Review status: criteria provided, single submitter. Criteria: ACMG Guidelines, 2015. Collection method: clinical testing. Allele origin: germline. Affected: yes.

Quest Diagnostics Nichols Institute San Juan Capistrano
Classification: Likely pathogenic. Last evaluated: 2018-03-16. Review status: criteria provided, single submitter. Criteria: Quest Diagnostics criteria. Collection method: clinical testing. Allele origin: germline.

OMIM
Classification: risk factor for MELANOMA, CUTANEOUS MALIGNANT, SUSCEPTIBILITY TO, 2. Last evaluated: 2007-08-01. Review status: no assertion criteria provided. Collection method: literature only. Allele origin: germline. Not counted in ClinVar's aggregate classification.

Literature cited by the submitters: PubMed 9516223 (cited by 4 submitters); PubMed 20340136 (cited by 4 submitters); PubMed 21462282 (cited by 4 submitters); PubMed 9425228 (cited by 3 submitters); PubMed 12072543 (cited by 3 submitters); PubMed 15150307 (cited by 3 submitters); PubMed 15235029 (cited by 3 submitters); PubMed 17492760 (cited by 3 submitters); PubMed 22841127 (cited by Labcorp Genetics (formerly Invitae), Labcorp); PubMed 25370744 (cited by Labcorp Genetics (formerly Invitae), Labcorp); PubMed 16214921 (cited by Ambry Genetics); PubMed 16234564 (cited by Ambry Genetics); PubMed 945228 (cited by Department of Pathology and Laboratory Medicine, Sinai Health System).